The following is an entry in ClinVar:

ClinVar aggregate classification (germline): Likely benign (0 of 4 stars; one submission).

Conditions:
NUMA1-related disorder. Also called: NUMA1-related condition.

Allele frequency attached by ClinVar (database versions not stated): gnomAD exomes 0.00002; gnomAD 0.00005; TOPMed 0.00007; ExAC 0.00011; 1000 Genomes Project 30x 0.00031; 1000 Genomes Project 0.00040.
gnomAD v4.1: 52 of 1,613,296 alleles (0.0032%); highest among the groups gnomAD compares: East Asian, 0.091%; no homozygotes.

Submission:

PreventionGenetics, part of Exact Sciences
Classification: Likely benign for NUMA1-related condition. Last evaluated: 2019-08-19. Review status: no assertion criteria provided. Collection method: clinical testing. Allele origin: germline.
Comment: This variant is classified as likely benign based on ACMG/AMP sequence variant interpretation guidelines (Richards et al. 2015 PMID: 25741868, with internal and published modifications).

NM_006185.4(NUMA1):c.3927G>A (p.Glu1309=)

Gene: NUMA1 (nuclear mitotic apparatus protein 1; minus strand). Cytogenetic location: 11q13.4.
Variant type: single nucleotide variant.
Coding change: c.3927G>A on transcript NM_006185.4 (MANE Select); coding-DNA position 3927, G replaced by A.
Protein change: p.Glu1309=; no amino-acid change (glutamic acid 1309 retained).
Molecular consequence: synonymous variant.
Genome position (GRCh38, 1-based): chr11:72,013,576, C>T on the plus strand (G>A on the coding strand, the complement: NUMA1 is on the minus strand). VCF-style: chr11-72013576-C-T. GRCh37 (hg19) VCF-style: chr11-71724622-C-T.
Other names: c.3927G>A, p.Glu1309= (NM_001286561.2).
Identifiers: ClinVar variation 3034915 (VCV003034915.2), dbSNP rs200541233, ClinGen allele CA6167192.